The following is an entry in ClinVar:

NM_000246.4(CIITA):c.1526G>A (p.Gly509Asp)

Gene: CIITA (class II major histocompatibility complex transactivator; plus strand). Cytogenetic location: 16p13.13.
Variant type: single nucleotide variant.
Coding change: c.1526G>A on transcript NM_000246.4 (MANE Select); coding-DNA position 1526, G replaced by A.
Protein change: p.Gly509Asp; replaces glycine 509 with aspartic acid.
Molecular consequence: missense variant. On other transcripts: intron variant (1).
Genome position (GRCh38, 1-based): chr16:10,907,018, G>A. VCF-style: chr16-10907018-G-A. GRCh37 (hg19) VCF-style: chr16-11000875-G-A.
Other names: c.1529G>A, p.Gly510Asp (NM_001286402.1, NM_001379332.1); c.1382G>A, p.Gly461Asp (NM_001379330.1); c.1379G>A, p.Gly460Asp (NM_001379331.1); c.1526G>A, p.Gly509Asp (NM_001379333.1); c.1457G>A, p.Gly486Asp (NM_001379334.1); c.860-1965G>A (NM_001286403.2); short protein forms G509D, G460D, G486D, G461D, G510D.
Identifiers: ClinVar variation 1902047 (VCV001902047.5), dbSNP rs1386629186, ClinGen allele CA394730966.

ClinVar aggregate classification (germline): Uncertain significance (1 of 4 stars; one submission).

Conditions:
MHC class II deficiency. Also called: Bare lymphocyte syndrome 2; BLS, TYPE II. Identifiers: Orphanet 572, MedGen C5447452, MONDO:0008855.

Submission:

Labcorp Genetics (formerly Invitae), Labcorp
Classification: Uncertain significance for MHC class II deficiency. Last evaluated: 2023-07-10. Review status: criteria provided, single submitter. Criteria: Invitae Variant Classification Sherloc (09022015). Collection method: clinical testing. Allele origin: germline.
Comment: In summary, the available evidence is currently insufficient to determine the role of this variant in disease. Therefore, it has been classified as a Variant of Uncertain Significance. An algorithm developed to predict the effect of missense changes on protein structure and function (PolyPhen-2) suggests that this variant is likely to be disruptive. ClinVar contains an entry for this variant (Variation ID: 1902047). This variant has not been reported in the literature in individuals affected with CIITA-related conditions. This variant is not present in population databases (gnomAD no frequency). This sequence change replaces glycine, which is neutral and non-polar, with aspartic acid, which is acidic and polar, at codon 509 of the CIITA protein (p.Gly509Asp).